The following is an entry in ClinVar:

ClinVar aggregate classification (germline): Pathogenic (1 of 4 stars; one submission).

Conditions:
Pyruvate carboxylase deficiency. Also called: ATAXIA WITH LACTIC ACIDOSIS II; LEIGH NECROTIZING ENCEPHALOPATHY DUE TO PYRUVATE CARBOXYLASE DEFICIENCY; LEIGH SYNDROME DUE TO PYRUVATE CARBOXYLASE DEFICIENCY; Pyruvate Carboxylase Deficiency Disease; PC DEFICIENCY. Identifiers: Orphanet 3008, MedGen C0034341, MONDO:0009949, OMIM 266150.

Submission:

Labcorp Genetics (formerly Invitae), Labcorp
Classification: Pathogenic for Pyruvate carboxylase deficiency. Last evaluated: 2023-04-18. Review status: criteria provided, single submitter. Criteria: Invitae Variant Classification Sherloc (09022015). Collection method: clinical testing. Allele origin: germline.
Comment: For these reasons, this variant has been classified as Pathogenic. This variant has not been reported in the literature in individuals affected with PC-related conditions. This variant is not present in population databases (gnomAD no frequency). This sequence change creates a premature translational stop signal (p.Ala448Argfs*8) in the PC gene. It is expected to result in an absent or disrupted protein product. Loss-of-function variants in PC are known to be pathogenic (PMID: 12112657, 19306334).

Literature cited by the submitters: PubMed 12112657; PubMed 19306334.

NM_001040716.2(PC):c.1339del (p.Ala448fs)

Gene: PC (pyruvate carboxylase; minus strand). Cytogenetic location: 11q13.2.
Variant type: Deletion.
Coding change: c.1339del on transcript NM_001040716.2 (MANE Select); coding-DNA position 1339, one base deleted (C; older notation c.1339delC).
Protein change: p.Ala448fs; shifts the reading frame from alanine 448.
Molecular consequence: frameshift variant.
Genome position (GRCh38, 1-based): chr11:66,863,803, G deleted on the plus strand (C on the coding strand, the reverse complement: PC is on the minus strand); the first of 3 consecutive G bases (chr11:66,863,803-66,863,805); deleting any one gives the same sequence. VCF-style (leftmost placement, unchanged base first): chr11-66863802-AG-A. GRCh37 (hg19) VCF-style: chr11-66631273-AG-A.
Other names: c.1339del, p.Ala448fs (NM_000920.4, NM_022172.3); short protein forms A448fs.
Identifiers: ClinVar variation 3006211 (VCV003006211.3), dbSNP rs2495672743, ClinGen allele CA2740093081.